The following continues an entry in ClinVar:

NM_000059.4(BRCA2):c.4928T>C (p.Val1643Ala)

Gene: BRCA2. ClinVar aggregate classification (germline): Conflicting classifications of pathogenicity. Uncertain significance (2); Benign (2); Likely benign (11).

Submissions 17 to 19 of 19:

Sharing Clinical Reports Project (SCRP)
Classification: Benign for Breast-ovarian cancer, familial 2. Last evaluated: 2012-05-01. Review status: no assertion criteria provided. Collection method: clinical testing. Allele origin: germline. Not counted in ClinVar's aggregate classification.

Breast Cancer Information Core (BIC) (BRCA2)
Classification: Uncertain significance for Breast-ovarian cancer, familial 2. Last evaluated: 2004-02-20. Review status: no assertion criteria provided. Collection method: clinical testing. Allele origin: germline. Affected: yes. Observed: 3 variant alleles. Not counted in ClinVar's aggregate classification.

Department of Pathology and Laboratory Medicine, Sinai Health System
Classification: Likely benign for Malignant tumor of breast. Review status: no assertion criteria provided. Collection method: clinical testing. Allele origin: unknown. Affected: yes. Study: The Canadian Open Genetics Repository (COGR). Not counted in ClinVar's aggregate classification.
Comment: The BRCA2 p.Val1643Ala variant was identified in 1 of 698 proband chromosomes (frequency: 0.001) from individuals or families with breast or ovarian cancer and was found not to segregate with disease in the probandâ€šÃ„Ã´s two family members with breast cancer (Fernandes 2016). The variant was also identified in dbSNP (ID: rs28897731) as "With other allele", ClinVar (classified as benign by SCRP; as likely benign by GeneDx, Ambry Genetics, Invitae, and Michigan Medical Genetics; and as uncertain significance by Humangenetik Teubingen, COGR, and BIC), and LOVD 3.0 (classified as uncertain or NA by 3 submitters). The variant has been identified by our laboratory in at least three individuals with breast cancer; one of whom also has a co-occurring pathogenic ATM variant (c.5712dup, p.Ser1905Ilefs*25). The variant was identified in control databases in 7 of 239572 chromosomes at a frequency of 0.00003 (Genome Aggregation Database Feb 27, 2017). The variant was observed in the following populations: Latino in 1 of 32346 chromosomes (freq: 0.00003), European in 3 of 109484 chromosomes (freq: 0.00003), and South Asian in 3 of 28946 chromosomes (freq: 0.0001); it was not observed in the African, Other, Ashkenazi Jewish, East Asian, or Finnish populations. The p.Val1643 residue is not conserved in mammals and 5 of 5 computational analyses (PolyPhen-2, SIFT, AlignGVGD, BLOSUM, MutationTaster) do not suggest a high likelihood of impact to the protein; however, this information is not predictive enough to rule out pathogenicity. The variant occurs outside of the splicing consensus sequence and in silico or computational prediction software programs (SpliceSiteFinder, MaxEntScan, NNSPLICE, GeneSplicer) do not predict a difference in splicing. In summary, based on the above information, the clinical significance of this variant cannot be determined with certainty at this time although we would lean towards a more benign role for this variant. This variant is classified as likely benign.

Literature cited by the submitters: PubMed 37951914 (cited by Quest Diagnostics Nichols Institute San Juan Capistrano); PubMed 33293522 (cited by Quest Diagnostics Nichols Institute San Juan Capistrano and Women's Health and Genetics/Laboratory Corporation of America, LabCorp); PubMed 31911673 (cited by Quest Diagnostics Nichols Institute San Juan Capistrano); PubMed 18824701 (cited by 3 submitters); PubMed 21203900 (cited by 3 submitters); PubMed 24916970 (cited by Quest Diagnostics Nichols Institute San Juan Capistrano and Women's Health and Genetics/Laboratory Corporation of America, LabCorp); PubMed 26207792 (cited by Quest Diagnostics Nichols Institute San Juan Capistrano); PubMed 27741520 (cited by Quest Diagnostics Nichols Institute San Juan Capistrano and Ambry Genetics); PubMed 27062684 (cited by Quest Diagnostics Nichols Institute San Juan Capistrano); PubMed 30606148 (cited by Quest Diagnostics Nichols Institute San Juan Capistrano); PubMed 34178674 (cited by Quest Diagnostics Nichols Institute San Juan Capistrano and Women's Health and Genetics/Laboratory Corporation of America, LabCorp); PubMed 34072659 (cited by Quest Diagnostics Nichols Institute San Juan Capistrano); PubMed 31131967 (cited by Quest Diagnostics Nichols Institute San Juan Capistrano and Women's Health and Genetics/Laboratory Corporation of America, LabCorp); PubMed 32806537 (cited by Quest Diagnostics Nichols Institute San Juan Capistrano); PubMed 33471991 (cited by Quest Diagnostics Nichols Institute San Juan Capistrano and Women's Health and Genetics/Laboratory Corporation of America, LabCorp); PubMed 21702907 (cited by Women's Health and Genetics/Laboratory Corporation of America, LabCorp); PubMed 22476429 (cited by Women's Health and Genetics/Laboratory Corporation of America, LabCorp); PubMed 18951461 (cited by Ambry Genetics).